The following is an entry in ClinVar:

NM_001605.3(AARS1):c.661C>T (p.Gln221Ter)

Gene: AARS1 (alanyl-tRNA synthetase 1; minus strand). Cytogenetic location: 16q22.1.
Variant type: single nucleotide variant.
Coding change: c.661C>T on transcript NM_001605.3 (MANE Select); coding-DNA position 661, C replaced by T.
Protein change: p.Gln221Ter; replaces glutamine 221 with a stop codon.
Molecular consequence: nonsense.
Genome position (GRCh38, 1-based): chr16:70,271,791, G>A on the plus strand (C>T on the coding strand, the complement: AARS1 is on the minus strand). VCF-style: chr16-70271791-G-A. GRCh37 (hg19) VCF-style: chr16-70305694-G-A.
Other names: short protein forms Q221*.
Identifiers: ClinVar variation 1800083 (VCV001800083.2), dbSNP rs2507020531, ClinGen allele CA396566415.

ClinVar aggregate classification (germline): Pathogenic (1 of 4 stars; one submission).

Conditions:
Inborn genetic diseases. Identifiers: MedGen C0950123, MeSH D030342.

Allele frequency attached by ClinVar (database versions not stated): gnomAD exomes below 0.00001.

Submission:

Ambry Genetics
Classification: Pathogenic for Inborn genetic diseases. Last evaluated: 2022-04-20. Review status: criteria provided, single submitter. Criteria: Ambry Variant Classification Scheme 2023. Collection method: clinical testing. Allele origin: germline.
Comment: The p.Q221* pathogenic mutation (also known as c.661C>T), located in coding exon 4 of the AARS gene, results from a C to T substitution at nucleotide position 661. This changes the amino acid from a glutamine to a stop codon within coding exon 4. This variant is considered to be rare based on population cohorts in the Genome Aggregation Database (gnomAD). This alteration is expected to result in loss of function by premature protein truncation or nonsense-mediated mRNA decay. Based on the supporting evidence, this variant is expected to be causative of AARS-related early infantile epileptic encephalopathy (EIEE) when present along with a second pathogenic variant on the other allele; however, its clinical significance for Charcot-Marie-Tooth disease, axonal, type 2N (CMT2N) is unclear.